The following is an entry in ClinVar:

NM_000135.4(FANCA):c.2324G>C (p.Ser775Thr)

Gene: FANCA (FA complementation group A; minus strand). Cytogenetic location: 16q24.3.
Variant type: single nucleotide variant.
Coding change: c.2324G>C on transcript NM_000135.4 (MANE Select); coding-DNA position 2324, G replaced by C.
Protein change: p.Ser775Thr; replaces serine 775 with threonine.
Molecular consequence: missense variant.
Genome position (GRCh38, 1-based): chr16:89,770,017, C>G on the plus strand (G>C on the coding strand, the complement: FANCA is on the minus strand). VCF-style: chr16-89770017-C-G. GRCh37 (hg19) VCF-style: chr16-89836425-C-G.
Other names: c.2324G>C, p.Ser775Thr (NM_001286167.3); short protein forms S775T.
Identifiers: ClinVar variation 998183 (VCV000998183.1), dbSNP rs2039267533, ClinGen allele CA397444650.

ClinVar aggregate classification (germline): Uncertain significance (1 of 4 stars; one submission).

Conditions:
Fanconi anemia complementation group A (FANCA). Also called: FANCA-Related Fanconi Anemia; Fanconi anemia, group A. Identifiers: Orphanet 84, MedGen C3469521, MONDO:0009215, OMIM 227650.

Submission:

Baylor Genetics
Classification: Uncertain significance for Fanconi anemia complementation group A. Last evaluated: 2020-01-10. Review status: criteria provided, single submitter. Criteria: ACMG Guidelines, 2015. Collection method: clinical testing. Allele origin: unknown. Affected: yes. Study: CSER-TexasKidsCanSeq.
Comment: This variant was determined to be of uncertain significance according to ACMG Guidelines, 2015 [PMID:25741868].